The following is an entry in ClinVar:

ClinVar aggregate classification (germline): Uncertain significance. Review status: criteria provided, multiple submitters, no conflicts (2 of 4 stars). 2 submissions from 2 submitters: Uncertain significance (2). Last evaluated 2025-04-07.

Conditions:
Hypertrophic cardiomyopathy 1 (CMH1). Also called: Familial hypertrophic cardiomyopathy 1; MYH7-Related Familial Hypertrophic Cardiomyopathy. Identifiers: MedGen C3495498, MONDO:0008647, OMIM 192600.

Allele frequency attached by ClinVar (database versions not stated): ExAC 0.00001; gnomAD 0.00001; gnomAD exomes 0.00001; TOPMed 0.00016.
gnomAD v4.1: 23 of 1,613,992 alleles (0.0014%); highest among the groups gnomAD compares: Non-Finnish European, 0.00042%; no homozygotes.

Submissions (2):

Ambry Genetics
Classification: Uncertain significance. Last evaluated: 2025-04-07. Review status: criteria provided, single submitter. Criteria: Ambry Variant Classification Scheme 2023. Collection method: clinical testing. Allele origin: germline.
Comment: The p.T383A variant (also known as c.1147A>G), located in coding exon 7 of the MYLK2 gene, results from an A to G substitution at nucleotide position 1147. The threonine at codon 383 is replaced by alanine, an amino acid with similar properties. This amino acid position is conserved. In addition, this alteration is predicted to be tolerated by in silico analysis. Since supporting evidence is limited at this time, the clinical significance of this alteration remains unclear.

Labcorp Genetics (formerly Invitae), Labcorp
Classification: Uncertain significance for Hypertrophic cardiomyopathy 1. Last evaluated: 2025-03-31. Review status: criteria provided, single submitter. Criteria: Invitae Variant Classification Sherloc (09022015). Collection method: clinical testing. Allele origin: germline.
Comment: This sequence change replaces threonine, which is neutral and polar, with alanine, which is neutral and non-polar, at codon 383 of the MYLK2 protein (p.Thr383Ala). This variant is present in population databases (rs765387768, gnomAD 0.002%). This variant has not been reported in the literature in individuals affected with MYLK2-related conditions. ClinVar contains an entry for this variant (Variation ID: 1732817). Invitae Evidence Modeling of protein sequence and biophysical properties (such as structural, functional, and spatial information, amino acid conservation, physicochemical variation, residue mobility, and thermodynamic stability) indicates that this missense variant is not expected to disrupt MYLK2 protein function with a negative predictive value of 80%. In summary, the available evidence is currently insufficient to determine the role of this variant in disease. Therefore, it has been classified as a Variant of Uncertain Significance.

NM_033118.4(MYLK2):c.1147A>G (p.Thr383Ala)

Gene: MYLK2 (myosin light chain kinase 2; plus strand). Cytogenetic location: 20q11.21.
Variant type: single nucleotide variant.
Coding change: c.1147A>G on transcript NM_033118.4 (MANE Select); coding-DNA position 1147, A replaced by G.
Protein change: p.Thr383Ala; replaces threonine 383 with alanine.
Molecular consequence: missense variant.
Genome position (GRCh38, 1-based): chr20:31,826,861, A>G. VCF-style: chr20-31826861-A-G. GRCh37 (hg19) VCF-style: chr20-30414664-A-G.
Other names: short protein forms T383A.
Identifiers: ClinVar variation 1732817 (VCV001732817.9), dbSNP rs765387768, ClinGen allele CA9803124.
Genomic context (GRCh38, chr20:31,826,861, plus strand): 5'-GAGGGCGGAGAGCTCTTCGAGAGGATTGTGGATGAGGACTACCATCTGACCGAGGTGGAC[A>G]CCATGGTGTTTGTCAGGCAGATCTGTGACGGGATCCTCTTCATGCACAAGATGAGGGTTT-3'
Protein context (NP_149109.1, residues 373-393): DEDYHLTEVD[Thr383Ala]MVFVRQICDG